The following is an entry in ClinVar:

NM_001363711.2(DUOX2):c.2561G>T (p.Gly854Val)

Gene: DUOX2 (dual oxidase 2; minus strand). Cytogenetic location: 15q21.1.
Variant type: single nucleotide variant.
Coding change: c.2561G>T on transcript NM_001363711.2 (MANE Select); coding-DNA position 2561, G replaced by T.
Protein change: p.Gly854Val; replaces glycine 854 with valine.
Molecular consequence: missense variant.
Genome position (GRCh38, 1-based): chr15:45,104,053, C>A on the plus strand (G>T on the coding strand, the complement: DUOX2 is on the minus strand). VCF-style: chr15-45104053-C-A. GRCh37 (hg19) VCF-style: chr15-45396251-C-A.
Other names: c.2561G>T, p.Gly854Val (NM_014080.5); short protein forms G854V.
Identifiers: ClinVar variation 4764260 (VCV004764260.1).
Genomic context (GRCh38, chr15:45,104,053, plus strand): 5'-AAGCCATTCTCATCCAGGTCATACATGGTAAACATTAGACGGGACTTATCCTCTGGGGAG[C>A]CTGGGAAGAAAAAAGGGAATGCAGGTCATCTCCTTGCTGAAAGACCCCTGGATTCTTGGA-3'
Protein context (NP_001350640.1, residues 844-864): FLDILVVFMK[Gly854Val]SPEDKSRLMF

ClinVar aggregate classification (germline): Uncertain significance (1 of 4 stars; one submission).

Submission:

Labcorp Genetics (formerly Invitae), Labcorp
Classification: Uncertain significance. Last evaluated: 2026-01-24. Review status: criteria provided, single submitter. Criteria: Invitae Variant Classification Sherloc (09022015). Collection method: clinical testing. Allele origin: germline.
Comment: This sequence change replaces glycine, which is neutral and non-polar, with valine, which is neutral and non-polar, at codon 854 of the DUOX2 protein (p.Gly854Val). This variant is not present in population databases (gnomAD no frequency). This variant has not been reported in the literature in individuals affected with DUOX2-related conditions. An algorithm developed to predict the effect of missense changes on protein structure and function (PolyPhen-2) suggests that this variant is likely to be disruptive. In summary, the available evidence is currently insufficient to determine the role of this variant in disease. Therefore, it has been classified as a Variant of Uncertain Significance.